The following is an entry in ClinVar:

ClinVar aggregate classification (germline): Benign. Review status: criteria provided, multiple submitters, no conflicts (2 of 4 stars). 2 submissions from 2 submitters: Benign (2). Last evaluated 2018-06-14.

Allele frequency attached by ClinVar (database versions not stated): 1000 Genomes Project 0.54772; 1000 Genomes Project 30x 0.55325; gnomAD exomes 0.61373; TOPMed 0.61908; gnomAD 0.62537 and 0.63107.
gnomAD v4.1: 478,954 of 777,724 alleles (62%); highest among the groups gnomAD compares: African/African-American, 69%; 152,837 homozygotes.

Submissions (2):

GeneDx
Classification: Benign. Last evaluated: 2018-06-14. Review status: criteria provided, single submitter. Criteria: GeneDx Variant Classification (06012015). Collection method: clinical testing. Allele origin: germline. Affected: yes.
Comment: This variant is considered likely benign or benign based on one or more of the following criteria: it is a conservative change, it occurs at a poorly conserved position in the protein, it is predicted to be benign by multiple in silico algorithms, and/or has population frequency not consistent with disease.

Breakthrough Genomics
Classification: Benign. Review status: criteria provided, single submitter. Criteria: ACMG Guidelines, 2015. Collection method: not provided. Allele origin: germline. Inheritance: Autosomal recessive inheritance. Affected: yes.

NM_003384.3(VRK1):c.286+141G>A

Gene: VRK1 (VRK serine/threonine kinase 1; plus strand). Cytogenetic location: 14q32.2.
Variant type: single nucleotide variant.
Coding change: c.286+141G>A on transcript NM_003384.3 (MANE Select); 141 bases into the intron after coding-DNA position 286, G replaced by A.
Molecular consequence: intron variant.
Genome position (GRCh38, 1-based): chr14:96,846,305, G>A. VCF-style: chr14-96846305-G-A. GRCh37 (hg19) VCF-style: chr14-97312642-G-A.
Identifiers: ClinVar variation 670274 (VCV000670274.2), dbSNP rs1951311, ClinGen allele CA15820377.